The following is an entry in ClinVar:

NM_001287.6(CLCN7):c.821A>G (p.Lys274Arg)

Gene: CLCN7 (chloride voltage-gated channel 7; minus strand). Cytogenetic location: 16p13.3.
Variant type: single nucleotide variant.
Coding change: c.821A>G on transcript NM_001287.6 (MANE Select); coding-DNA position 821, A replaced by G.
Protein change: p.Lys274Arg; replaces lysine 274 with arginine.
Molecular consequence: missense variant.
Genome position (GRCh38, 1-based): chr16:1,457,255, T>C on the plus strand (A>G on the coding strand, the complement: CLCN7 is on the minus strand). VCF-style: chr16-1457255-T-C. GRCh37 (hg19) VCF-style: chr16-1507256-T-C.
Other names: c.749A>G, p.Lys250Arg (NM_001114331.3); c.821A>G (NM_001287.4); short protein forms K250R, K274R.
Identifiers: ClinVar variation 887537 (VCV000887537.15), dbSNP rs775085622, ClinGen allele CA7810568.

ClinVar aggregate classification (germline): Uncertain significance. Review status: criteria provided, multiple submitters, no conflicts (2 of 4 stars). 3 submissions from 3 submitters: Uncertain significance (3). Last evaluated 2025-04-10.

Conditions:
Osteopetrosis. Identifiers: Orphanet 2781, MedGen C0029454, MONDO:0017198, HP:0011002.
Inborn genetic diseases. Identifiers: MedGen C0950123, MeSH D030342.

Allele frequency attached by ClinVar (database versions not stated): TOPMed below 0.00001; gnomAD 0.00001.
gnomAD v4.1: 7 of 1,613,788 alleles (0.00043%); highest among the groups gnomAD compares: Non-Finnish European, 0.00059%; no homozygotes.

Submissions (3):

Ambry Genetics
Classification: Uncertain significance for Inborn genetic diseases. Last evaluated: 2025-04-10. Review status: criteria provided, single submitter. Criteria: Ambry Variant Classification Scheme 2023. Collection method: clinical testing. Allele origin: germline.

Labcorp Genetics (formerly Invitae), Labcorp
Classification: Uncertain significance. Last evaluated: 2024-05-01. Review status: criteria provided, single submitter. Criteria: Invitae Variant Classification Sherloc (09022015). Collection method: clinical testing. Allele origin: germline.
Comment: This sequence change replaces lysine, which is basic and polar, with arginine, which is basic and polar, at codon 274 of the CLCN7 protein (p.Lys274Arg). This variant is present in population databases (rs775085622, gnomAD 0.003%). This variant has not been reported in the literature in individuals affected with CLCN7-related conditions. ClinVar contains an entry for this variant (Variation ID: 887537). An algorithm developed to predict the effect of missense changes on protein structure and function (PolyPhen-2) suggests that this variant is likely to be tolerated. In summary, the available evidence is currently insufficient to determine the role of this variant in disease. Therefore, it has been classified as a Variant of Uncertain Significance.

Illumina Laboratory Services, Illumina
Classification: Uncertain significance for Osteopetrosis. Last evaluated: 2018-01-13. Review status: criteria provided, single submitter. Criteria: ICSL Variant Classification Criteria 13 December 2019. Collection method: clinical testing. Allele origin: germline.